The following is an entry in ClinVar:

NM_001358235.2(DCHS2):c.2064T>C (p.Ser688=)

Gene: DCHS2 (dachsous cadherin-related 2; minus strand). Cytogenetic location: 4q31.3.
Variant type: single nucleotide variant.
Coding change: c.2064T>C on transcript NM_001358235.2 (MANE Select); coding-DNA position 2064, T replaced by C.
Protein change: p.Ser688=; no amino-acid change (serine 688 retained).
Molecular consequence: synonymous variant.
Genome position (GRCh38, 1-based): chr4:154,377,433, A>G on the plus strand (T>C on the coding strand, the complement: DCHS2 is on the minus strand). VCF-style: chr4-154377433-A-G. GRCh37 (hg19) VCF-style: chr4-155298585-A-G.
Other names: c.2064T>C, p.Ser688= (NM_001142552.2, NM_001412223.1).
Identifiers: ClinVar variation 2655141 (VCV002655141.24), dbSNP rs757694579, ClinGen allele CA3113656.

ClinVar aggregate classification (germline): Likely benign (1 of 4 stars; one submission).

Allele frequency attached by ClinVar (database versions not stated): ExAC 0.00002; TOPMed 0.00002; gnomAD 0.00003.
gnomAD v4.1: 46 of 1,611,832 alleles (0.0029%); highest among the groups gnomAD compares: Middle Eastern, 0.016%; no homozygotes.

Submission:

CeGaT Center for Human Genetics Tuebingen
Classification: Likely benign. Last evaluated: 2022-10-01. Review status: criteria provided, single submitter. Criteria: CeGaT Center For Human Genetics Tuebingen Variant Classification Criteria Version 2. Collection method: clinical testing. Allele origin: germline. Affected: yes. Observed: 1 variant allele.
Comment: DCHS2: BP4, BP7